The following is an entry in ClinVar:

NM_016529.6(ATP8A2):c.758A>G (p.Asn253Ser)

Gene: ATP8A2 (ATPase phospholipid transporting 8A2). Cytogenetic location: 13q12.13.
Variant type: single nucleotide variant.
Coding change: c.758A>G on transcript NM_016529.6 (MANE Select); coding-DNA position 758, A replaced by G.
Protein change: p.Asn253Ser; replaces asparagine 253 with serine.
Molecular consequence: missense variant.
Genome position (GRCh38, 1-based): chr13:25,542,025, A>G. VCF-style: chr13-25542025-A-G. GRCh37 (hg19) VCF-style: chr13-26116163-A-G.
Other names: c.638A>G, p.Asn213Ser (NM_001313741.1); c.758A>G, p.Asn253Ser (NM_001411005.1, NM_001411006.1); short protein forms N253S, N213S.
Identifiers: ClinVar variation 2125074 (VCV002125074.4), dbSNP rs1456556054, ClinGen allele CA387612128.

ClinVar aggregate classification (germline): Uncertain significance (1 of 4 stars; one submission).

Allele frequency attached by ClinVar (database versions not stated): TOPMed below 0.00001.

Submission:

Labcorp Genetics (formerly Invitae), Labcorp
Classification: Uncertain significance. Last evaluated: 2024-03-04. Review status: criteria provided, single submitter. Criteria: Invitae Variant Classification Sherloc (09022015). Collection method: clinical testing. Allele origin: germline.
Comment: This sequence change replaces asparagine, which is neutral and polar, with serine, which is neutral and polar, at codon 253 of the ATP8A2 protein (p.Asn253Ser). This variant is not present in population databases (gnomAD no frequency). This variant has not been reported in the literature in individuals affected with ATP8A2-related conditions. ClinVar contains an entry for this variant (Variation ID: 2125074). Advanced modeling of protein sequence and biophysical properties (such as structural, functional, and spatial information, amino acid conservation, physicochemical variation, residue mobility, and thermodynamic stability) performed at Invitae indicates that this missense variant is not expected to disrupt ATP8A2 protein function with a negative predictive value of 80%. In summary, the available evidence is currently insufficient to determine the role of this variant in disease. Therefore, it has been classified as a Variant of Uncertain Significance.